The following is an entry in ClinVar:

ClinVar aggregate classification (germline): Pathogenic (1 of 4 stars; one submission).

Submission:

Labcorp Genetics (formerly Invitae), Labcorp
Classification: Pathogenic. Last evaluated: 2024-10-29. Review status: criteria provided, single submitter. Criteria: Invitae Variant Classification Sherloc (09022015). Collection method: clinical testing. Allele origin: germline.
Comment: This sequence change creates a premature translational stop signal (p.Arg125Alafs*10) in the RP1 gene. It is expected to result in an absent or disrupted protein product. Loss-of-function variants in RP1 are known to be pathogenic (PMID: 11960024, 19933189). This variant is not present in population databases (gnomAD no frequency). This variant has not been reported in the literature in individuals affected with RP1-related conditions. For these reasons, this variant has been classified as Pathogenic.

Literature cited by the submitters: PubMed 11960024; PubMed 19933189.

NM_006269.2(RP1):c.368dup (p.Arg125fs)

Gene: RP1 (RP1 axonemal microtubule associated; plus strand). Cytogenetic location: 8q12.1.
Variant type: Duplication.
Coding change: c.368dup on transcript NM_006269.2 (MANE Select); coding-DNA position 368, one base duplicated (G; older notation c.368dupG).
Protein change: p.Arg125fs; shifts the reading frame from arginine 125.
Molecular consequence: frameshift variant.
Genome position (GRCh38, 1-based): chr8:54,621,334, G duplicated. VCF-style (leftmost placement, unchanged base first): chr8-54621333-C-CG. GRCh37 (hg19) VCF-style: chr8-55533893-C-CG.
Other names: c.368dup, p.Arg125fs (NM_001375654.1); short protein forms R125fs.
Identifiers: ClinVar variation 3633589 (VCV003633589.2).